The following is an entry in ClinVar:

NM_020457.3(THAP11):c.311A>G (p.Gln104Arg)

Genes: CENPT (centromere protein T; minus strand), THAP11 (THAP domain containing 11; plus strand). Cytogenetic location: 16q22.1.
Variant type: single nucleotide variant.
Coding change: c.311A>G on transcript NM_020457.3 (MANE Select); coding-DNA position 311, A replaced by G.
Protein change: p.Gln104Arg; replaces glutamine 104 with arginine.
Molecular consequence: missense variant. On other transcripts: intron variant (1).
Genome position (GRCh38, 1-based): chr16:67,842,865, A>G. VCF-style: chr16-67842865-A-G. GRCh37 (hg19) VCF-style: chr16-67876768-A-G.
Other names: c.-492+4536T>C (NM_025082.4); short protein forms Q104R.
Identifiers: ClinVar variation 3176877 (VCV003176877.4), dbSNP rs758392920, ClinGen allele CA8118156.

ClinVar aggregate classification (germline): Uncertain significance. Review status: criteria provided, multiple submitters, no conflicts (2 of 4 stars). 2 submissions from 2 submitters: Uncertain significance (2). Last evaluated 2025-09-05.

Allele frequency attached by ClinVar (database versions not stated): ExAC 0.00002; TOPMed 0.00005; gnomAD 0.00003.
gnomAD v4.1: 37 of 1,608,988 alleles (0.0023%); highest among the groups gnomAD compares: Non-Finnish European, 0.0031%; no homozygotes.

Submissions (2):

Labcorp Genetics (formerly Invitae), Labcorp
Classification: Uncertain significance. Last evaluated: 2025-09-05. Review status: criteria provided, single submitter. Criteria: Invitae Variant Classification Sherloc (09022015). Collection method: clinical testing. Allele origin: germline.
Comment: This sequence change replaces glutamine, which is neutral and polar, with arginine, which is basic and polar, at codon 104 of the THAP11 protein (p.Gln104Arg). The frequency data for this variant in the population databases is considered unreliable, as metrics indicate poor data quality at this position in the gnomAD database. This variant has not been reported in the literature in individuals affected with THAP11-related conditions. ClinVar contains an entry for this variant (Variation ID: 3176877). Invitae Evidence Modeling of protein sequence and biophysical properties (such as structural, functional, and spatial information, amino acid conservation, physicochemical variation, residue mobility, and thermodynamic stability) indicates that this missense variant is not expected to disrupt THAP11 protein function with a negative predictive value of 80%. In summary, the available evidence is currently insufficient to determine the role of this variant in disease. Therefore, it has been classified as a Variant of Uncertain Significance.

Ambry Genetics
Classification: Uncertain significance. Last evaluated: 2025-06-11. Review status: criteria provided, single submitter. Criteria: Ambry Variant Classification Scheme 2023. Collection method: clinical testing. Allele origin: germline.